The following is an entry in ClinVar:

NM_001159773.2(CANT1):c.613G>A (p.Asp205Asn)

Gene: CANT1 (calcium activated nucleotidase 1; minus strand). Cytogenetic location: 17q25.3.
Variant type: single nucleotide variant.
Coding change: c.613G>A on transcript NM_001159773.2 (MANE Select); coding-DNA position 613, G replaced by A.
Protein change: p.Asp205Asn; replaces aspartic acid 205 with asparagine.
Molecular consequence: missense variant.
Genome position (GRCh38, 1-based): chr17:78,997,010, C>T on the plus strand (G>A on the coding strand, the complement: CANT1 is on the minus strand). VCF-style: chr17-78997010-C-T. GRCh37 (hg19) VCF-style: chr17-76993092-C-T.
Other names: c.613G>A, p.Asp205Asn (NM_001159772.2, NM_138793.4); short protein forms D205N.
Identifiers: ClinVar variation 3671202 (VCV003671202.2).

ClinVar aggregate classification (germline): Uncertain significance (1 of 4 stars; one submission).

Submission:

Labcorp Genetics (formerly Invitae), Labcorp
Classification: Uncertain significance. Last evaluated: 2024-05-29. Review status: criteria provided, single submitter. Criteria: Invitae Variant Classification Sherloc (09022015). Collection method: clinical testing. Allele origin: germline.
Comment: This sequence change replaces aspartic acid, which is acidic and polar, with asparagine, which is neutral and polar, at codon 205 of the CANT1 protein (p.Asp205Asn). This variant is present in population databases (rs762575751, gnomAD 0.005%). This variant has not been reported in the literature in individuals affected with CANT1-related conditions. Advanced modeling of protein sequence and biophysical properties (such as structural, functional, and spatial information, amino acid conservation, physicochemical variation, residue mobility, and thermodynamic stability) performed at Invitae indicates that this missense variant is not expected to disrupt CANT1 protein function with a negative predictive value of 80%. In summary, the available evidence is currently insufficient to determine the role of this variant in disease. Therefore, it has been classified as a Variant of Uncertain Significance.